The following is an entry in ClinVar:

NM_000256.3(MYBPC3):c.1442G>A (p.Gly481Glu)

Gene: MYBPC3 (myosin binding protein C3; minus strand). Cytogenetic location: 11p11.2.
Variant type: single nucleotide variant.
Coding change: c.1442G>A on transcript NM_000256.3 (MANE Select); coding-DNA position 1442, G replaced by A.
Protein change: p.Gly481Glu; replaces glycine 481 with glutamic acid.
Molecular consequence: missense variant.
Genome position (GRCh38, 1-based): chr11:47,342,845, C>T on the plus strand (G>A on the coding strand, the complement: MYBPC3 is on the minus strand). VCF-style: chr11-47342845-C-T. GRCh37 (hg19) VCF-style: chr11-47364396-C-T.
Other names: short protein forms G481E.
Identifiers: ClinVar variation 4746256 (VCV004746256.2).

ClinVar aggregate classification (germline): Uncertain significance. Review status: criteria provided, multiple submitters, no conflicts (2 of 4 stars). 3 submissions from 3 submitters: Uncertain significance (3). Last evaluated 2026-07-17.

Conditions:
MYBPC3-related disorder. Also called: MYBPC3-related condition; MYBPC3-related disease; MYBPC3-related disorders.
Cardiomyopathy (CMYO). Also called: Cardiomyopathies. Identifiers: Orphanet 167848, MedGen C0878544, MONDO:0004994, HP:0001638. Inheritance: Various modes of inheritance.
Hypertrophic cardiomyopathy. Also called: HYPERTROPHIC MYOCARDIOPATHY. Identifiers: Orphanet 217569, MedGen C0007194, MeSH D002312, MONDO:0005045, HP:0001639.

gnomAD v4.1: 2 of 1,612,636 alleles (0.00012%); highest among the groups gnomAD compares: Admixed American, 0.0017%; no homozygotes.

Submissions (3):

PreventionGenetics, part of Exact Sciences
Classification: Uncertain significance for MYBPC3-related condition. Last evaluated: 2026-07-17. Review status: criteria provided, single submitter. Criteria: ACMG Guidelines, 2015. Collection method: clinical testing. Allele origin: germline.
Comment: The MYBPC3 c.1442G>A variant is predicted to result in the amino acid substitution p.Gly481Glu. To our knowledge, this variant has not been reported in the literature. This variant is reported in 0.0029% of alleles in individuals of Latino descent in gnomAD. At this time, the clinical significance of this variant is uncertain due to the absence of conclusive functional and genetic evidence.

Labcorp Genetics (formerly Invitae), Labcorp
Classification: Uncertain significance for Hypertrophic cardiomyopathy. Last evaluated: 2025-10-01. Review status: criteria provided, single submitter. Criteria: Invitae Variant Classification Sherloc (09022015). Collection method: clinical testing. Allele origin: germline.
Comment: This sequence change replaces glycine, which is neutral and non-polar, with glutamic acid, which is acidic and polar, at codon 481 of the MYBPC3 protein (p.Gly481Glu). This variant is present in population databases (rs773237942, gnomAD 0.003%). This variant has not been reported in the literature in individuals affected with MYBPC3-related conditions. An algorithm developed to predict the effect of missense changes on protein structure and function (PolyPhen-2) suggests that this variant is likely to be disruptive. In summary, the available evidence is currently insufficient to determine the role of this variant in disease. Therefore, it has been classified as a Variant of Uncertain Significance.

Color Diagnostics, LLC DBA Color Health
Classification: Uncertain significance for Cardiomyopathy. Last evaluated: 2025-06-09. Review status: criteria provided, single submitter. Criteria: ACMG Guidelines, 2015. Collection method: clinical testing. Allele origin: germline.
Comment: This missense variant replaces glycine with glutamic acid at codon 481 of the MYBPC3 protein. Computational prediction suggests that this variant may have a deleterious impact on protein structure and function. To our knowledge, functional studies have not been reported for this variant. This variant has not been reported in individuals affected with MYBPC3-related disorders in the literature. This variant has been identified in 1/247266 chromosomes in the general population by the Genome Aggregation Database (gnomAD). The available evidence is insufficient to determine the role of this variant in disease conclusively. Therefore, this variant is classified as a Variant of Uncertain Significance.